The following is an entry in ClinVar:

ClinVar aggregate classification (germline): Uncertain significance (1 of 4 stars; one submission).

Conditions:
Myofibrillar myopathy 5. Also called: FILAMINOPATHY, AUTOSOMAL DOMINANT; Filaminopathy (type). Identifiers: Orphanet 171445, MedGen C1836050, MONDO:0012289, OMIM 609524.
Distal myopathy with posterior leg and anterior hand involvement. Also called: WILLIAMS DISTAL MYOPATHY. Identifiers: Orphanet 63273, MedGen C3279722, MONDO:0013550, OMIM 614065.
Hypertrophic cardiomyopathy 26. Also called: Cardiomyopathy, familial hypertrophic, 26. Identifiers: Orphanet 75249, MedGen C4310749, MONDO:0014883, OMIM 617047.

Submission:

Labcorp Genetics (formerly Invitae), Labcorp
Classification: Uncertain significance for Distal myopathy with posterior leg and anterior hand involvement; Myofibrillar myopathy 5; Hypertrophic cardiomyopathy 26. Last evaluated: 2019-08-20. Review status: criteria provided, single submitter. Criteria: Invitae Variant Classification Sherloc (09022015). Collection method: clinical testing. Allele origin: germline.
Comment: In summary, the available evidence is currently insufficient to determine the role of this variant in disease. Therefore, it has been classified as a Variant of Uncertain Significance. Algorithms developed to predict the effect of missense changes on protein structure and function are either unavailable or do not agree on the potential impact of this missense change (SIFT: "Deleterious"; PolyPhen-2: "Probably Damaging"; Align-GVGD: "Class C0"). This variant has not been reported in the literature in individuals with FLNC-related conditions. This variant is not present in population databases (ExAC no frequency). This sequence change replaces arginine with proline at codon 575 of the FLNC protein (p.Arg575Pro). The arginine residue is highly conserved and there is a moderate physicochemical difference between arginine and proline.

NM_001458.5(FLNC):c.1724G>C (p.Arg575Pro)

Gene: FLNC (filamin C; plus strand). Cytogenetic location: 7q32.1.
Variant type: single nucleotide variant.
Coding change: c.1724G>C on transcript NM_001458.5 (MANE Select); coding-DNA position 1724, G replaced by C.
Protein change: p.Arg575Pro; replaces arginine 575 with proline.
Molecular consequence: missense variant.
Genome position (GRCh38, 1-based): chr7:128,840,881, G>C. VCF-style: chr7-128840881-G-C. GRCh37 (hg19) VCF-style: chr7-128480935-G-C.
Other names: c.1724G>C, p.Arg575Pro (NM_001127487.2); short protein forms R575P.
Identifiers: ClinVar variation 939517 (VCV000939517.10), dbSNP rs764751276, ClinGen allele CA369226940.